The following is an entry in ClinVar:

NM_001211.6(BUB1B):c.1906G>C (p.Glu636Gln)

Gene: BUB1B (BUB1 mitotic checkpoint serine/threonine kinase B; plus strand). Cytogenetic location: 15q15.1.
Variant type: single nucleotide variant.
Coding change: c.1906G>C on transcript NM_001211.6 (MANE Select); coding-DNA position 1906, G replaced by C.
Protein change: p.Glu636Gln; replaces glutamic acid 636 with glutamine.
Molecular consequence: missense variant.
Genome position (GRCh38, 1-based): chr15:40,206,355, G>C. VCF-style: chr15-40206355-G-C. GRCh37 (hg19) VCF-style: chr15-40498556-G-C.
Other names: short protein forms E636Q.
Identifiers: ClinVar variation 1782398 (VCV001782398.4), dbSNP rs2037636594, ClinGen allele CA391692651.

ClinVar aggregate classification (germline): Uncertain significance (1 of 4 stars; one submission).

Conditions:
Inborn genetic diseases. Identifiers: MedGen C0950123, MeSH D030342.

Allele frequency attached by ClinVar (database versions not stated): TOPMed below 0.00001; gnomAD 0.00001.
gnomAD v4.1: 1 of 1,614,030 alleles (0.000062%); highest among the groups gnomAD compares: African/African-American, 0.0013%; no homozygotes.

Submission:

Ambry Genetics
Classification: Uncertain significance for Inborn genetic diseases. Last evaluated: 2025-11-11. Review status: criteria provided, single submitter. Criteria: Ambry Variant Classification Scheme 2023. Collection method: clinical testing. Allele origin: germline.
Comment: The p.E636Q variant (also known as c.1906G>C), located in coding exon 15 of the BUB1B gene, results from a G to C substitution at nucleotide position 1906. The glutamic acid at codon 636 is replaced by glutamine, an amino acid with highly similar properties. This amino acid position is conserved. In addition, this alteration is predicted to be tolerated by in silico analysis. Since supporting evidence is limited at this time, the clinical significance of this alteration remains unclear.